The following is an entry in ClinVar:

ClinVar aggregate classification (germline): Uncertain significance (1 of 4 stars; one submission).

Submission:

Labcorp Genetics (formerly Invitae), Labcorp
Classification: Uncertain significance. Last evaluated: 2019-10-31. Review status: criteria provided, single submitter. Criteria: Invitae Variant Classification Sherloc (09022015). Collection method: clinical testing. Allele origin: germline.
Comment: In summary, the available evidence is currently insufficient to determine the role of this variant in disease. Therefore, it has been classified as a Variant of Uncertain Significance. Algorithms developed to predict the effect of missense changes on protein structure and function (SIFT, PolyPhen-2, Align-GVGD) all suggest that this variant is likely to be tolerated, but these predictions have not been confirmed by published functional studies and their clinical significance is uncertain. This variant has not been reported in the literature in individuals with RIMS1-related conditions. This variant is not present in population databases (ExAC no frequency). This sequence change replaces histidine with tyrosine at codon 1231 of the RIMS1 protein (p.His1231Tyr). The histidine residue is highly conserved and there is a moderate physicochemical difference between histidine and tyrosine.

NM_014989.7(RIMS1):c.3691C>T (p.His1231Tyr)

Gene: RIMS1 (regulating synaptic membrane exocytosis 1; plus strand). Cytogenetic location: 6q13.
Variant type: single nucleotide variant.
Coding change: c.3691C>T on transcript NM_014989.7 (MANE Select); coding-DNA position 3691, C replaced by T.
Protein change: p.His1231Tyr; replaces histidine 1231 with tyrosine.
Molecular consequence: missense variant. On other transcripts: intron variant (56).
Genome position (GRCh38, 1-based): chr6:72,290,815, C>T. VCF-style: chr6-72290815-C-T. GRCh37 (hg19) VCF-style: chr6-73000518-C-T.
Other names: c.1765C>T, p.His589Tyr (NM_001350420.2); c.1747C>T, p.His583Tyr (NM_001350431.2); c.1834C>T, p.His612Tyr (NM_001350438.2, NM_001350456.2); c.1837C>T, p.His613Tyr (NM_001350442.2, NM_001350446.2); c.1696C>T, p.His566Tyr (NM_001350462.2); c.1632-1119C>T (NM_001350428.2); c.1560-1119C>T (NM_001350459.2, NM_001350424.2); c.1641-1119C>T (NM_001350437.2); and 31 more; short protein forms H583Y, H566Y, H612Y, H1231Y, H589Y, H613Y.
Identifiers: ClinVar variation 953987 (VCV000953987.9), dbSNP rs2093268075, ClinGen allele CA364689432.